The following is an entry in ClinVar:

ClinVar aggregate classification (germline): Benign/Likely benign. Review status: criteria provided, multiple submitters, no conflicts (2 of 4 stars). 4 submissions from 4 submitters: Benign (1); Likely benign (2). 1 of the submissions does not count toward it. Last evaluated 2026-01-13.

Conditions:
Fraser syndrome 1 (FRASRS1). Also called: CRYPTOPHTHALMOS WITH OTHER MALFORMATIONS. Identifiers: Orphanet 2052, MedGen C4551480, MONDO:0054737, OMIM 219000.
FRAS1-related disorder. Also called: FRAS1-related condition.

Allele frequency attached by ClinVar (database versions not stated): gnomAD exomes 0.00006 and 0.00012; ExAC 0.00015; 1000 Genomes Project 30x 0.00031; 1000 Genomes Project 0.00040; ESP Exome Variant Server 0.00041; TOPMed 0.00071; gnomAD 0.00099.
gnomAD v4.1: 184 of 1,613,698 alleles (0.011%); highest among the groups gnomAD compares: African/African-American, 0.23%; no homozygotes.

Submissions (4):

Labcorp Genetics (formerly Invitae), Labcorp
Classification: Benign. Last evaluated: 2026-01-13. Review status: criteria provided, single submitter. Criteria: Invitae Variant Classification Sherloc (09022015). Collection method: clinical testing. Allele origin: germline.

Blueprint Genetics
Classification: Likely benign. Last evaluated: 2024-06-11. Review status: criteria provided, single submitter. Criteria: ACMG Guidelines, 2015. Collection method: clinical testing. Allele origin: germline.

Fulgent Genetics
Classification: Likely benign for Fraser syndrome 1. Last evaluated: 2021-09-20. Review status: criteria provided, single submitter. Criteria: ACMG Guidelines, 2015. Collection method: clinical testing. Allele origin: unknown.

PreventionGenetics, part of Exact Sciences
Classification: Likely benign for FRAS1-related condition. Last evaluated: 2019-03-26. Review status: no assertion criteria provided. Collection method: clinical testing. Allele origin: germline. Not counted in ClinVar's aggregate classification.
Comment: This variant is classified as likely benign based on ACMG/AMP sequence variant interpretation guidelines (Richards et al. 2015 PMID: 25741868, with internal and published modifications).

NM_025074.7(FRAS1):c.9228C>T (p.Thr3076=)

Gene: FRAS1 (Fraser extracellular matrix complex subunit 1; plus strand). Cytogenetic location: 4q21.21.
Variant type: single nucleotide variant.
Coding change: c.9228C>T on transcript NM_025074.7 (MANE Select); coding-DNA position 9228, C replaced by T.
Protein change: p.Thr3076=; no amino-acid change (threonine 3076 retained).
Molecular consequence: synonymous variant.
Genome position (GRCh38, 1-based): chr4:78,499,833, C>T. VCF-style: chr4-78499833-C-T. GRCh37 (hg19) VCF-style: chr4-79420987-C-T.
Identifiers: ClinVar variation 754825 (VCV000754825.10), dbSNP rs369529123, ClinGen allele CA2978615.
Genomic context (GRCh38, chr4:78,499,833, plus strand): 5'-CCCAGATGCCATTGCGATTCTGAACATCAAGGTGATCCGCAGAGGGGATCAGAACAGGAC[C>T]TCCAAGGTTCGCTGCAGCACGCGGGATGGCTCTGCCCAGTCTGGTGTGGATTATTACCCA-3'
Protein context (NP_079350.5, residues 3066-3086): KVIRRGDQNR[Thr3076=]SKVRCSTRDG